The following is an entry in ClinVar:

NM_000297.4(PKD2):c.724A>G (p.Met242Val)

Gene: PKD2 (polycystin 2, transient receptor potential cation channel; plus strand). Cytogenetic location: 4q22.1.
Variant type: single nucleotide variant.
Coding change: c.724A>G on transcript NM_000297.4 (MANE Select); coding-DNA position 724, A replaced by G.
Protein change: p.Met242Val; replaces methionine 242 with valine.
Molecular consequence: missense variant. On other transcripts: non-coding transcript variant (1).
Genome position (GRCh38, 1-based): chr4:88,036,234, A>G. VCF-style: chr4-88036234-A-G. GRCh37 (hg19) VCF-style: chr4-88957386-A-G.
Other names: c.724A>G (NM_000297.3); short protein forms M242V.
Identifiers: ClinVar variation 1045997 (VCV001045997.10), dbSNP rs748163182, ClinGen allele CA3003787.
Genomic context (GRCh38, chr4:88,036,234, plus strand): 5'-GTGCCGGTTCCCTTGGGGCGTTCATTTGGATCTTTCTGTGTTCCAGTGACCTACGGCATG[A>G]TGAGCTCCAATGTGTACTACTACACCCGGATGATGTCACAGCTCTTCCTAGACACCCCCG-3'
Protein context (NP_000288.1, residues 232-252): IVLCILTYGM[Met242Val]SSNVYYYTRM

ClinVar aggregate classification (germline): Uncertain significance. Review status: criteria provided, multiple submitters, no conflicts (2 of 4 stars). 3 submissions from 3 submitters: Uncertain significance (3). Last evaluated 2026-01-06.

Conditions:
Autosomal dominant polycystic kidney disease. Identifiers: Orphanet 730, MedGen C0085413, MONDO:0004691.
Polycystic kidney disease 2 (PKD2). Also called: POLYCYSTIC KIDNEY DISEASE, ADULT, TYPE II; Polycystic Kidney Disease 2, Autosomal Dominant; POLYCYSTIC KIDNEY DISEASE 2 WITH OR WITHOUT POLYCYSTIC LIVER DISEASE. Identifiers: MedGen C2751306, MONDO:0013131, OMIM 613095.
Inborn genetic diseases. Identifiers: MedGen C0950123, MeSH D030342.

Allele frequency attached by ClinVar (database versions not stated): ExAC 0.00001; gnomAD 0.00001; gnomAD exomes 0.00002; TOPMed 0.00002.
gnomAD v4.1: 18 of 1,613,596 alleles (0.0011%); highest among the groups gnomAD compares: African/African-American, 0.004%; no homozygotes.

Submissions (3):

Labcorp Genetics (formerly Invitae), Labcorp
Classification: Uncertain significance for Autosomal dominant polycystic kidney disease. Last evaluated: 2026-01-06. Review status: criteria provided, single submitter. Criteria: Invitae Variant Classification Sherloc (09022015). Collection method: clinical testing. Allele origin: germline.
Comment: This sequence change replaces methionine, which is neutral and non-polar, with valine, which is neutral and non-polar, at codon 242 of the PKD2 protein (p.Met242Val). This variant is present in population databases (rs748163182, gnomAD 0.008%). This variant has not been reported in the literature in individuals affected with PKD2-related conditions. ClinVar contains an entry for this variant (Variation ID: 1045997). Invitae Evidence Modeling of protein sequence and biophysical properties (such as structural, functional, and spatial information, amino acid conservation, physicochemical variation, residue mobility, and thermodynamic stability) indicates that this missense variant is not expected to disrupt PKD2 protein function with a negative predictive value of 80%. In summary, the available evidence is currently insufficient to determine the role of this variant in disease. Therefore, it has been classified as a Variant of Uncertain Significance.

Ambry Genetics
Classification: Uncertain significance for Inborn genetic diseases. Last evaluated: 2025-01-29. Review status: criteria provided, single submitter. Criteria: Ambry Variant Classification Scheme 2023. Collection method: clinical testing. Allele origin: germline.

Fulgent Genetics
Classification: Uncertain significance for Polycystic kidney disease 2. Last evaluated: 2024-03-07. Review status: criteria provided, single submitter. Criteria: ACMG Guidelines, 2015. Collection method: clinical testing. Allele origin: germline.